The following is an entry in ClinVar:

ClinVar aggregate classification (germline): Uncertain significance (1 of 4 stars; one submission).

Conditions:
Arrhythmogenic cardiomyopathy with wooly hair and keratoderma. Also called: Arrhythmogenic cardiomyopathy with woolly hair and keratoderma; PALMOPLANTAR KERATODERMA WITH LEFT VENTRICULAR CARDIOMYOPATHY AND WOOLLY HAIR; Carvajal syndrome; Dilated cardiomyopathy with woolly hair and keratoderma. Identifiers: Orphanet 65282, MedGen C1854063, MONDO:0011581, OMIM 605676.
Arrhythmogenic right ventricular dysplasia 8 (ARVD8). Also called: Arrhythmogenic Right Ventricular Dysplasia/Cardiomyopathy 8; ARRHYTHMOGENIC RIGHT VENTRICULAR DYSPLASIA, FAMILIAL, 8; ARRHYTHMOGENIC RIGHT VENTRICULAR CARDIOMYOPATHY 8. Identifiers: MedGen C1843896, MONDO:0011831, OMIM 607450.

Submission:

Labcorp Genetics (formerly Invitae), Labcorp
Classification: Uncertain significance for Arrhythmogenic cardiomyopathy with wooly hair and keratoderma; Arrhythmogenic right ventricular dysplasia 8. Last evaluated: 2023-09-23. Review status: criteria provided, single submitter. Criteria: Invitae Variant Classification Sherloc (09022015). Collection method: clinical testing. Allele origin: germline.
Comment: In summary, the available evidence is currently insufficient to determine the role of this variant in disease. Therefore, it has been classified as a Variant of Uncertain Significance. An algorithm developed to predict the effect of missense changes on protein structure and function (PolyPhen-2) suggests that this variant is likely to be disruptive. This variant has not been reported in the literature in individuals affected with DSP-related conditions. This variant is not present in population databases (gnomAD no frequency). This sequence change replaces leucine, which is neutral and non-polar, with proline, which is neutral and non-polar, at codon 669 of the DSP protein (p.Leu669Pro).

NM_004415.4(DSP):c.2006T>C (p.Leu669Pro)

Gene: DSP (desmoplakin; plus strand). Cytogenetic location: 6p24.3.
Variant type: single nucleotide variant.
Coding change: c.2006T>C on transcript NM_004415.4 (MANE Select); coding-DNA position 2006, T replaced by C.
Protein change: p.Leu669Pro; replaces leucine 669 with proline.
Molecular consequence: missense variant.
Genome position (GRCh38, 1-based): chr6:7,571,944, T>C. VCF-style: chr6-7571944-T-C. GRCh37 (hg19) VCF-style: chr6-7572177-T-C.
Other names: c.2006T>C, p.Leu669Pro (NM_001008844.3, NM_001319034.2); short protein forms L669P.
Identifiers: ClinVar variation 2935305 (VCV002935305.3), dbSNP rs2533896707, ClinGen allele CA362680348.